The following is an entry in ClinVar:

chr19:36674305-38652962 complex variant

Genes: SIPA1L3 (signal induced proliferation associated 1 like 3; plus strand), WDR87 (WD repeat domain 87; minus strand), ZFP14 (ZFP14 zinc finger protein; minus strand), ZFP30 (ZFP30 zinc finger protein; minus strand), ZFP82 (ZFP82 zinc finger protein; minus strand) and 27 more. Cytogenetic location: 19q13.12-13.13.
Variant type: Complex.
Identifiers: ClinVar variation 221351 (VCV000221351.2).

ClinVar aggregate classification (germline): Uncertain significance (0 of 4 stars; one submission).

Conditions:
Breast ductal adenocarcinoma. Also called: Ductal breast carcinoma; Breast cancer, invasive ductal. Identifiers: MedGen C1527349, MONDO:0005590.

Submission:

Next Generation Diagnostics, Novartis Institutes for BioMedical Research, Inc.
Classification: Uncertain significance for Breast ductal adenocarcinoma. Last evaluated: 2015-07-20. Review status: no assertion criteria provided. Collection method: research. Allele origin: somatic. Affected: yes.
Comment: Loss of heterozygosity